The following is an entry in ClinVar:

ClinVar aggregate classification (germline): Uncertain significance (1 of 4 stars; one submission).

Conditions:
Familial hypercholesterolemia. Also called: Familial hypercholesterolaemia. Identifiers: MedGen C0020445, MONDO:0005439.

Submission:

Color Diagnostics, LLC DBA Color Health
Classification: Uncertain significance for Familial hypercholesterolemia. Last evaluated: 2024-03-06. Review status: criteria provided, single submitter. Criteria: ACMG Guidelines, 2015. Collection method: clinical testing. Allele origin: germline.
Comment: This missense variant replaces valine with aspartic acid at codon 656 of the PCSK9 protein. Computational prediction suggests that this variant may not impact protein structure and function (internally defined REVEL score threshold <= 0.5, PMID: 27666373). To our knowledge, functional studies have not been reported for this variant. This variant has not been reported in individuals affected with familial hypercholesterolemia in the literature. This variant has not been identified in the general population by the Genome Aggregation Database (gnomAD). The available evidence is insufficient to determine the role of this variant in disease conclusively. Therefore, this variant is classified as a Variant of Uncertain Significance.

NM_174936.4(PCSK9):c.1967T>A (p.Val656Asp)

Gene: PCSK9 (proprotein convertase subtilisin/kexin type 9; plus strand). Cytogenetic location: 1p32.3.
Variant type: single nucleotide variant.
Coding change: c.1967T>A on transcript NM_174936.4 (MANE Select); coding-DNA position 1967, T replaced by A.
Protein change: p.Val656Asp; replaces valine 656 with aspartic acid.
Molecular consequence: missense variant. On other transcripts: non-coding transcript variant (8).
Genome position (GRCh38, 1-based): chr1:55,063,472, T>A. VCF-style: chr1-55063472-T-A. GRCh37 (hg19) VCF-style: chr1-55529145-T-A.
Other names: c.1970T>A, p.Val657Asp (NM_001407242.1); c.1910T>A, p.Val637Asp (NM_001407243.1); c.1793T>A, p.Val598Asp (NM_001407244.1); c.1775T>A, p.Val592Asp (NM_001407245.1); c.1592T>A, p.Val531Asp (NM_001407246.1); c.1466T>A, p.Val489Asp (NM_001407247.1); c.2090T>A, p.Val697Asp (NM_001407240.1); c.2009T>A, p.Val670Asp (NM_001407241.1); short protein forms V531D, V592D, V489D, V657D, V598D, V637D, V656D, V670D.
Identifiers: ClinVar variation 2774069 (VCV002774069.2), dbSNP rs2523286745, ClinGen allele CA340480746.